The following is an entry in ClinVar:

ClinVar aggregate classification (germline): Uncertain significance (1 of 4 stars; one submission).

Conditions:
Multiple endocrine neoplasia, type 2 (MEN2). Identifiers: Orphanet 653, MedGen C4048306, MONDO:0019003. Disease mechanism: gain of function.

Submission:

Labcorp Genetics (formerly Invitae), Labcorp
Classification: Uncertain significance for Multiple endocrine neoplasia, type 2. Last evaluated: 2025-12-10. Review status: criteria provided, single submitter. Criteria: Invitae Variant Classification Sherloc (09022015). Collection method: clinical testing. Allele origin: germline.
Comment: This sequence change replaces asparagine, which is neutral and polar, with aspartic acid, which is acidic and polar, at codon 179 of the RET protein (p.Asn179Asp). This variant is not present in population databases (gnomAD no frequency). This variant has not been reported in the literature in individuals affected with RET-related conditions. ClinVar contains an entry for this variant (Variation ID: 1450359). An algorithm developed to predict the effect of missense changes on protein structure and function (PolyPhen-2) suggests that this variant is likely to be disruptive. In summary, the available evidence is currently insufficient to determine the role of this variant in disease. Therefore, it has been classified as a Variant of Uncertain Significance.

NM_020975.6(RET):c.535A>G (p.Asn179Asp)

Gene: RET (ret proto-oncogene; plus strand). Cytogenetic location: 10q11.21.
Variant type: single nucleotide variant.
Coding change: c.535A>G on transcript NM_020975.6 (MANE Select); coding-DNA position 535, A replaced by G.
Protein change: p.Asn179Asp; replaces asparagine 179 with aspartic acid.
Molecular consequence: missense variant.
Genome position (GRCh38, 1-based): chr10:43,102,539, A>G. VCF-style: chr10-43102539-A-G. GRCh37 (hg19) VCF-style: chr10-43597987-A-G.
Other names: c.535A>G, p.Asn179Asp (NM_000323.2, NM_001406743.1, NM_001406744.1 and 16 more transcripts); c.406A>G, p.Asn136Asp (NM_001406761.1, NM_001406762.1, NM_001406764.1 and 4 more transcripts); short protein forms N179D, N136D.
Identifiers: ClinVar variation 1450359 (VCV001450359.7), dbSNP rs2132682955, ClinGen allele CA376543408.